The following is an entry in ClinVar:

NM_001267550.2(TTN):c.56564_56576del (p.Tyr18855fs)

Genes: TTN (titin; minus strand), TTN-AS1 (TTN antisense RNA 1; plus strand). Cytogenetic location: 2q31.2.
Variant type: Deletion.
Coding change: c.56564_56576del on transcript NM_001267550.2 (MANE Select); coding-DNA positions 56564 to 56576, 13 bases deleted (ATGTATTCCGAAT).
Protein change: p.Tyr18855fs; shifts the reading frame from tyrosine 18855.
Molecular consequence: frameshift variant.
Genome position (GRCh38, 1-based): chr2:178,599,217-178,599,229, ATTCGGAATACAT deleted on the plus strand (ATGTATTCCGAAT on the coding strand, the reverse complement: TTN is on the minus strand); deleting any 13 consecutive bases within chr2:178,599,217-178,599,233 gives the same sequence; the c. name uses the placement nearest the transcript's 3' end. VCF-style (leftmost placement, unchanged base first): chr2-178599216-GATTCGGAATACAT-G. GRCh37 (hg19) VCF-style: chr2-179463943-GATTCGGAATACAT-G.
Other names: c.29369_29381del13 (NM_003319.4); c.51641_51653del, p.Tyr17214fs (NM_001256850.1); c.29369_29381del, p.Tyr9790fs (NM_003319.4); c.48860_48872del, p.Tyr16287fs (NM_133378.4); c.29744_29756del, p.Tyr9915fs (NM_133432.3); c.29945_29957del, p.Tyr9982fs (NM_133437.4); short protein forms Y16287fs, Y17214fs, Y9790fs, Y18855fs, Y9915fs, Y9982fs.
Identifiers: ClinVar variation 648322 (VCV000648322.10), dbSNP rs1294679653, ClinGen allele CA761291469.

ClinVar aggregate classification (germline): Likely pathogenic. Review status: criteria provided, multiple submitters, no conflicts (2 of 4 stars). 2 submissions from 2 submitters: Likely pathogenic (2). Last evaluated 2026-01-02.

Conditions:
Cardiovascular phenotype. Identifiers: MedGen CN230736.
Autosomal recessive limb-girdle muscular dystrophy type 2J (LGMDR10). Also called: MUSCULAR DYSTROPHY, LIMB-GIRDLE, AUTOSOMAL RECESSIVE 10; Limb-girdle muscular dystrophy, type 2J. Identifiers: Orphanet 140922, MedGen C1837342, MONDO:0012127, OMIM 608807.
Dilated cardiomyopathy 1G (CMD1G). Identifiers: Orphanet 154, MedGen C1858763, MONDO:0011400, OMIM 604145.

Submissions (2):

Ambry Genetics
Classification: Likely pathogenic for Cardiovascular phenotype. Last evaluated: 2026-01-02. Review status: criteria provided, single submitter. Criteria: Ambry Variant Classification Scheme 2023. Collection method: clinical testing. Allele origin: germline.
Comment: The c.29369_29381del13 variant, located in coding exon 117 of the TTN gene, results from a deletion of 13 nucleotides at nucleotide positions 29369 to 29381, causing a translational frameshift with a predicted alternate stop codon (p.Y9790Sfs*38). This exon is located in the A-band region of the N2-B isoform of the titin protein and is constitutively expressed in TTN transcripts (percent spliced in or PSI 100%). This variant is considered to be rare based on population cohorts in the Genome Aggregation Database (gnomAD). This variant is expected to result in loss of function by premature protein truncation or nonsense-mediated mRNA decay. While truncating variants in TTN are present in 1-3% of the general population, truncating variants in the A-band are the most common cause of dilated cardiomyopathy (Herman DS et al. N. Engl. J. Med., 2012 Feb;366:619-28; Roberts AM et al. Sci Transl Med, 2015 Jan;7:270ra6). TTN truncating variants encoded in constitutive exons (PSI >90%) have been found to be significantly associated with DCM regardless of their position in titin (Schafer S et al. Nat. Genet., 2017 01;49:46-53; Akhtar MM et al. Circ Heart Fail, 2020 Oct;13:e006832; Massier M et al. Clin Genet, 2025 Jan). As such, this alteration is classified as likely pathogenic.

Labcorp Genetics (formerly Invitae), Labcorp
Classification: Likely pathogenic for Dilated cardiomyopathy 1G; Autosomal recessive limb-girdle muscular dystrophy type 2J. Last evaluated: 2025-06-24. Review status: criteria provided, single submitter. Criteria: Invitae Variant Classification Sherloc (09022015). Collection method: clinical testing. Allele origin: germline.
Comment: This sequence change creates a premature translational stop signal (p.Tyr18855Serfs*38) in the TTN gene. While this is not anticipated to result in nonsense mediated decay, it is expected to create a truncated TTN protein. This variant is not present in population databases (gnomAD no frequency). This variant has not been reported in the literature in individuals affected with TTN-related conditions. ClinVar contains an entry for this variant (Variation ID: 648322). This variant is located in the A band of TTN (PMID: 25589632). Truncating variants in this region are significantly overrepresented in patients affected with dilated cardiomyopathy (PMID: 25589632). Truncating variants in this region have also been reported in individuals affected with autosomal recessive centronuclear myopathy (PMID: 23975875). In summary, the currently available evidence indicates that the variant is pathogenic, but additional data are needed to prove that conclusively. Therefore, this variant has been classified as Likely Pathogenic.

Literature cited by the submitters: PubMed 25589632 (cited by Labcorp Genetics (formerly Invitae), Labcorp); PubMed 23975875 (cited by Labcorp Genetics (formerly Invitae), Labcorp).